The following is an entry in ClinVar:

ClinVar aggregate classification (germline): Benign/Likely benign. Review status: criteria provided, multiple submitters, no conflicts (2 of 4 stars). 16 submissions from 15 submitters: Benign (7); Likely benign (5). 4 of the submissions do not count toward it. Last evaluated 2026-02-02.

Conditions:
RYR1-related disorder. Also called: RYR1-related disorders; RYR1-related condition. Identifiers: MedGen CN239331.
Congenital multicore myopathy with external ophthalmoplegia (CMYO1B). Also called: Minicore myopathy with external ophthalmoplegia; MULTIMINICORE DISEASE WITH EXTERNAL OPHTHALMOPLEGIA; MULTICORE MYOPATHY; Congenital myopathy 1B, autosomal recessive; Minicore myopathy. Identifiers: Orphanet 598, Orphanet 98905, MedGen C1850674, MONDO:0009712, OMIM 255320, HP:0003789.
Malignant hyperthermia, susceptibility to, 1 (MHS1). Also called: Anesthesia related hyperthermia; Malignant hyperpyrexia; Fulminating hyperpyrexia; Pharmacogenic myopathy; Malignant hyperthermia suceptibility 1; RYR1-Related Malignant Hyperthermia Susceptibility. Identifiers: Orphanet 423, MedGen C2930980, MONDO:0007783, OMIM 145600.

Allele frequency attached by ClinVar (database versions not stated): gnomAD exomes 0.00223 and 0.00236; ExAC 0.00279; 1000 Genomes Project 0.00539; gnomAD 0.00578 and 0.00607; 1000 Genomes Project 30x 0.00593; TOPMed 0.00636; ESP Exome Variant Server 0.00692.
gnomAD v4.1: 4,163 of 1,613,966 alleles (0.26%); highest among the groups gnomAD compares: African/African-American, 1.6%; 18 homozygotes.

Submissions (16):

Labcorp Genetics (formerly Invitae), Labcorp
Classification: Benign for RYR1-related disorder. Last evaluated: 2026-02-02. Review status: criteria provided, single submitter. Criteria: Invitae Variant Classification Sherloc (09022015). Collection method: clinical testing. Allele origin: germline.

Blueprint Genetics
Classification: Likely benign. Last evaluated: 2024-11-14. Review status: criteria provided, single submitter. Criteria: ACMG Guidelines, 2015. Collection method: clinical testing. Allele origin: germline.

Mayo Clinic Laboratories, Mayo Clinic
Classification: Likely benign. Last evaluated: 2024-11-11. Review status: criteria provided, single submitter. Criteria: ACMG Guidelines, 2015. Collection method: clinical testing. Allele origin: germline. Observed: 5 variant alleles.
Comment: BS1, BP4, BP7

All of Us Research Program, National Institutes of Health
Classification: Benign for Malignant hyperthermia, susceptibility to, 1. Last evaluated: 2024-02-05. Review status: criteria provided, single submitter. Criteria: ACMG Guidelines, 2015. Collection method: clinical testing. Allele origin: germline. Inheritance: Autosomal dominant inheritance. Observed: 622 variant alleles, 620 heterozygotes, 2 homozygotes.
Comment: This study involves interpretation of variants in research participants for the purpose of population health screening. Participant phenotype was not available at the time of variant classification. Additional details can be found in publication PMID: 35346344, PMCID: PMC8962531

Color Diagnostics, LLC DBA Color Health
Classification: Benign for Malignant hyperthermia, susceptibility to, 1. Last evaluated: 2022-09-16. Review status: criteria provided, single submitter. Criteria: ACMG Guidelines, 2015. Collection method: clinical testing. Allele origin: germline.

Illumina Laboratory Services, Illumina
Classification: Likely benign for Congenital multicore myopathy with external ophthalmoplegia. Last evaluated: 2018-08-30. Review status: criteria provided, single submitter. Criteria: ICSL Variant Classification Criteria 13 December 2019. Collection method: clinical testing. Allele origin: germline.
Comment: This variant was observed as part of a predisposition screen in an ostensibly healthy population. A literature search was performed for the gene, cDNA change, and amino acid change (where applicable). No publications were found based on this search. Allele frequency data from public databases allowed determination this variant is unlikely to cause disease. Therefore, this variant is classified as likely benign.

Illumina Laboratory Services, Illumina
Classification: Likely benign for Malignant hyperthermia, susceptibility to, 1. Last evaluated: 2018-08-30. Review status: criteria provided, single submitter. Criteria: ICSL Variant Classification Criteria 13 December 2019. Collection method: clinical testing. Allele origin: germline.
Comment: the same text as in the submission from Illumina Laboratory Services, Illumina above.

PreventionGenetics, part of Exact Sciences
Classification: Benign. Last evaluated: 2018-03-13. Review status: criteria provided, single submitter. Criteria: ACMG Guidelines, 2015. Collection method: clinical testing. Allele origin: germline.

GeneDx
Classification: Benign. Last evaluated: 2017-06-16. Review status: criteria provided, single submitter. Criteria: GeneDx Variant Classification (06012015). Collection method: clinical testing. Allele origin: germline. Affected: yes.
Comment: This variant is considered likely benign or benign based on one or more of the following criteria: it is a conservative change, it occurs at a poorly conserved position in the protein, it is predicted to be benign by multiple in silico algorithms, and/or has population frequency not consistent with disease.

Eurofins Ntd Llc (ga)
Classification: Benign. Last evaluated: 2014-03-21. Review status: criteria provided, single submitter. Criteria: EGL Classification Definitions 2015. Collection method: clinical testing. Allele origin: germline. Observed: 1 variant allele, 1 heterozygote.

Genetic Services Laboratory, University of Chicago
Classification: Benign. Last evaluated: 2014-02-18. Review status: criteria provided, single submitter. Criteria: ACMG Guidelines, 2007. Collection method: clinical testing. Allele origin: germline. Inheritance: Autosomal unknown.

Breakthrough Genomics
Classification: Likely benign. Review status: criteria provided, single submitter. Criteria: ACMG Guidelines, 2015. Collection method: not provided. Allele origin: germline. Inheritance: Autosomal recessive inheritance. Affected: yes.

Clinical Genetics DNA and cytogenetics Diagnostics Lab, Erasmus MC, Erasmus Medical Center
Classification: Benign. Review status: no assertion criteria provided. Collection method: clinical testing. Allele origin: germline. Affected: yes. Study: VKGL Data-share Consensus. Not counted in ClinVar's aggregate classification.

Joint Genome Diagnostic Labs from Nijmegen and Maastricht, Radboudumc and MUMC+
Classification: Benign. Review status: no assertion criteria provided. Collection method: clinical testing. Allele origin: germline. Affected: yes. Study: VKGL Data-share Consensus. Not counted in ClinVar's aggregate classification.

Laboratory of Diagnostic Genome Analysis, Leiden University Medical Center (LUMC)
Classification: Likely benign. Review status: no assertion criteria provided. Collection method: clinical testing. Allele origin: germline. Affected: yes. Study: VKGL Data-share Consensus. Not counted in ClinVar's aggregate classification.

RYR1 database
No classification provided. Review status: no classification provided. Collection method: not provided. Allele origin: unknown. Not counted in ClinVar's aggregate classification.

NM_000540.3(RYR1):c.573C>T (p.Asp191=)

Gene: RYR1 (ryanodine receptor 1; plus strand). Cytogenetic location: 19q13.2.
Variant type: single nucleotide variant.
Coding change: c.573C>T on transcript NM_000540.3 (MANE Select); coding-DNA position 573, C replaced by T.
Protein change: p.Asp191=; no amino-acid change (aspartic acid 191 retained).
Molecular consequence: synonymous variant.
Genome position (GRCh38, 1-based): chr19:38,444,619, C>T. VCF-style: chr19-38444619-C-T. GRCh37 (hg19) VCF-style: chr19-38935259-C-T.
Other names: p.Asp191=; c.573C>T, p.Asp191= (NM_001042723.2).
Identifiers: ClinVar variation 133152 (VCV000133152.33), dbSNP rs892054, ClinGen allele CA024543.